The following is an entry in ClinVar:

ClinVar aggregate classification (germline): Pathogenic. Review status: criteria provided, multiple submitters, no conflicts (2 of 4 stars). 2 submissions from 2 submitters: Pathogenic (2). Last evaluated 2024-11-11.

Conditions:
Hereditary breast ovarian cancer syndrome. Also called: Hereditary breast and ovarian cancer syndrome; Hereditary breast and ovarian cancer syndrome (HBOC); BRCA1- and BRCA2-Associated Hereditary Breast and Ovarian Cancer; Hereditary breast and ovarian cancer; Breast and ovarian cancer; Hereditary breast and/or ovarian cancer syndrome. Identifiers: Orphanet 145, MedGen C0677776, MeSH D061325, MONDO:0003582. Disease mechanism: loss of function.
Familial cancer of breast. Also called: hereditary breast carcinoma; BREAST CANCER, FAMILIAL; Hereditary breast cancer. Identifiers: Orphanet 227535, MedGen C0346153, MONDO:0016419, OMIM 114480. Disease mechanism: loss of function.

Submissions (2):

Labcorp Genetics (formerly Invitae), Labcorp
Classification: Pathogenic for Hereditary breast ovarian cancer syndrome. Last evaluated: 2024-11-11. Review status: criteria provided, single submitter. Criteria: Invitae Variant Classification Sherloc (09022015). Collection method: clinical testing. Allele origin: germline.
Comment: This sequence change creates a premature translational stop signal (p.Thr3137Asnfs*13) in the BRCA2 gene. It is expected to result in an absent or disrupted protein product. Loss-of-function variants in BRCA2 are known to be pathogenic (PMID: 20104584). This variant is not present in population databases (gnomAD no frequency). This premature translational stop signal has been observed in individual(s) with hereditary breast and/or ovarian cancers (PMID: 27157322). ClinVar contains an entry for this variant (Variation ID: 2680296). For these reasons, this variant has been classified as Pathogenic.

Baylor Genetics
Classification: Pathogenic for Familial cancer of breast. Last evaluated: 2022-01-28. Review status: criteria provided, single submitter. Criteria: ACMG Guidelines, 2015. Collection method: clinical testing. Allele origin: unknown.

Literature cited by the submitters: PubMed 20104584 (cited by Labcorp Genetics (formerly Invitae), Labcorp); PubMed 27157322 (cited by Labcorp Genetics (formerly Invitae), Labcorp).

NM_000059.4(BRCA2):c.9409dup (p.Thr3137fs)

Gene: BRCA2 (BRCA2 DNA repair associated; plus strand). Cytogenetic location: 13q13.1.
Variant type: Duplication.
Coding change: c.9409dup on transcript NM_000059.4 (MANE Select); coding-DNA position 9409, one base duplicated (A; older notation c.9409dupA).
Protein change: p.Thr3137fs; shifts the reading frame from threonine 3137.
Molecular consequence: frameshift variant.
Genome position (GRCh38, 1-based): chr13:32,394,841, A duplicated. VCF-style (leftmost placement, unchanged base first): chr13-32394840-T-TA. GRCh37 (hg19) VCF-style: chr13-32968977-T-TA.
Other names: short protein forms T3137fs.
Identifiers: ClinVar variation 2680296 (VCV002680296.3), dbSNP rs1566259113, ClinGen allele CA919242924.
Genomic context (GRCh38, chr13:32,394,840, plus strand): 5'-TCATATGTTAATTGCTGCAAGCAACCTCCAGTGGCGACCAGAATCCAAATCAGGCCTTCT[T>TA]ACTTTATTTGCTGGAGATTTTTCTGTGTTTTCTGCTAGTCCAAAAGAGGGCCACTTTCAA-3'